The following is an entry in ClinVar:

ClinVar aggregate classification (germline): Uncertain significance (1 of 4 stars; one submission).

Allele frequency attached by ClinVar (database versions not stated): TOPMed below 0.00001; gnomAD 0.00001.

Submission:

Ambry Genetics
Classification: Uncertain significance. Last evaluated: 2024-03-08. Review status: criteria provided, single submitter. Criteria: Ambry Variant Classification Scheme 2023. Collection method: clinical testing. Allele origin: germline.
Comment: The p.G68A variant (also known as c.203G>C), located in coding exon 1 of the EGLN1 gene, results from a G to C substitution at nucleotide position 203. The glycine at codon 68 is replaced by alanine, an amino acid with similar properties. This amino acid position is conserved. In addition, this alteration is predicted to be tolerated by in silico analysis. Since supporting evidence is limited at this time, the clinical significance of this alteration remains unclear.

NM_022051.3(EGLN1):c.203G>C (p.Gly68Ala)

Gene: EGLN1 (egl-9 family hypoxia inducible factor 1; minus strand). Cytogenetic location: 1q42.2.
Variant type: single nucleotide variant.
Coding change: c.203G>C on transcript NM_022051.3 (MANE Select); coding-DNA position 203, G replaced by C.
Protein change: p.Gly68Ala; replaces glycine 68 with alanine.
Molecular consequence: missense variant.
Genome position (GRCh38, 1-based): chr1:231,421,686, C>G on the plus strand (G>C on the coding strand, the complement: EGLN1 is on the minus strand). VCF-style: chr1-231421686-C-G. GRCh37 (hg19) VCF-style: chr1-231557432-C-G.
Other names: c.203G>C, p.Gly68Ala (NM_001377260.1, NM_001377261.1); short protein forms G68A.
Identifiers: ClinVar variation 1784882 (VCV001784882.2), dbSNP rs1656622191, ClinGen allele CA345238621.